The following is an entry in ClinVar:

NM_005654.6(NR2F1):c.505G>A (p.Gly169Ser)

Gene: NR2F1 (nuclear receptor subfamily 2 group F member 1; plus strand). Cytogenetic location: 5q15.
Variant type: single nucleotide variant.
Coding change: c.505G>A on transcript NM_005654.6 (MANE Select); coding-DNA position 505, G replaced by A.
Protein change: p.Gly169Ser; replaces glycine 169 with serine.
Molecular consequence: missense variant.
Genome position (GRCh38, 1-based): chr5:93,587,958, G>A. VCF-style: chr5-93587958-G-A. GRCh37 (hg19) VCF-style: chr5-92923664-G-A.
Other names: short protein forms G169S.
Identifiers: ClinVar variation 426684 (VCV000426684.9), dbSNP rs370606773, ClinGen allele CA3343154.

ClinVar aggregate classification (germline): Conflicting classifications of pathogenicity. Review status: criteria provided, conflicting classifications (1 of 4 stars). 2 submissions from 2 submitters: Uncertain significance (1); Likely benign (1). Last evaluated 2023-10-10.

Allele frequency attached by ClinVar (database versions not stated): gnomAD exomes below 0.00001 and 0.00001; ExAC 0.00003; gnomAD 0.00005; TOPMed 0.00008; ESP Exome Variant Server 0.00015.
gnomAD v4.1: 13 of 1,606,726 alleles (0.00081%); highest among the groups gnomAD compares: Middle Eastern, 0.017%; no homozygotes.

Submissions (2):

Labcorp Genetics (formerly Invitae), Labcorp
Classification: Uncertain significance. Last evaluated: 2023-10-10. Review status: criteria provided, single submitter. Criteria: Invitae Variant Classification Sherloc (09022015). Collection method: clinical testing. Allele origin: germline.
Comment: This sequence change replaces glycine, which is neutral and non-polar, with serine, which is neutral and polar, at codon 169 of the NR2F1 protein (p.Gly169Ser). This variant is present in population databases (rs370606773, gnomAD 0.02%). This variant has not been reported in the literature in individuals affected with NR2F1-related conditions. ClinVar contains an entry for this variant (Variation ID: 426684). Advanced modeling of protein sequence and biophysical properties (such as structural, functional, and spatial information, amino acid conservation, physicochemical variation, residue mobility, and thermodynamic stability) performed at Invitae indicates that this missense variant is not expected to disrupt NR2F1 protein function. In summary, the available evidence is currently insufficient to determine the role of this variant in disease. Therefore, it has been classified as a Variant of Uncertain Significance.

GeneDx
Classification: Likely benign. Last evaluated: 2019-08-07. Review status: criteria provided, single submitter. Criteria: GeneDx Variant Classification Process June 2021. Collection method: clinical testing. Allele origin: germline. Affected: yes.
Comment: In silico analysis, which includes protein predictors and evolutionary conservation, supports a deleterious effect; Has not been previously published as pathogenic or benign to our knowledge